The following is an entry in ClinVar:

NM_015021.3(ZNF292):c.3082T>C (p.Leu1028=)

Gene: ZNF292 (zinc finger protein 292; plus strand). Cytogenetic location: 6q14.3.
Variant type: single nucleotide variant.
Coding change: c.3082T>C on transcript NM_015021.3 (MANE Select); coding-DNA position 3082, T replaced by C.
Protein change: p.Leu1028=; no amino-acid change (leucine 1028 retained).
Molecular consequence: synonymous variant.
Genome position (GRCh38, 1-based): chr6:87,256,711, T>C. VCF-style: chr6-87256711-T-C. GRCh37 (hg19) VCF-style: chr6-87966429-T-C.
Other names: c.2662T>C, p.Leu888= (NM_001351444.2).
Identifiers: ClinVar variation 5041219 (VCV005041219.1).

ClinVar aggregate classification (germline): Likely benign (1 of 4 stars; one submission).

gnomAD v4.1: 60 of 1,612,824 alleles (0.0037%); highest among the groups gnomAD compares: Middle Eastern, 0.016%; no homozygotes.

Submission:

CeGaT Center for Human Genetics Tuebingen
Classification: Likely benign. Last evaluated: 2026-09-01. Review status: criteria provided, single submitter. Criteria: CeGaT Center For Human Genetics Tuebingen Variant Classification Criteria Version 2. Collection method: clinical testing. Allele origin: germline. Affected: yes. Observed: 1 variant allele.
Comment: ZNF292: BP4, BP7